The following is an entry in ClinVar:

NM_005477.3(HCN4):c.2143+5G>A

Gene: HCN4 (hyperpolarization activated cyclic nucleotide gated potassium channel 4; minus strand). Cytogenetic location: 15q24.1.
Variant type: single nucleotide variant.
Coding change: c.2143+5G>A on transcript NM_005477.3 (MANE Select); 5 bases into the intron after coding-DNA position 2143, G replaced by A.
Molecular consequence: intron variant.
Genome position (GRCh38, 1-based): chr15:73,324,084, C>T on the plus strand (G>A on the coding strand, the complement: HCN4 is on the minus strand). VCF-style: chr15-73324084-C-T. GRCh37 (hg19) VCF-style: chr15-73616425-C-T.
Other names: c.2143+5G>A (NM_005477.2).
Identifiers: ClinVar variation 1430042 (VCV001430042.9), dbSNP rs547362030, ClinGen allele CA7649119.

ClinVar aggregate classification (germline): Uncertain significance. Review status: criteria provided, multiple submitters, no conflicts (2 of 4 stars). 3 submissions from 3 submitters: Uncertain significance (3). Last evaluated 2026-02-03.

Conditions:
Brugada syndrome 8 (BRGDA8). Identifiers: Orphanet 130, MedGen C2751083, MONDO:0013148, OMIM 613123.
Cardiovascular phenotype. Identifiers: MedGen CN230736.

gnomAD v4.1: 18 of 1,612,764 alleles (0.0011%); highest among the groups gnomAD compares: Admixed American, 0.013%; no homozygotes.

Submissions (3):

Labcorp Genetics (formerly Invitae), Labcorp
Classification: Uncertain significance for Brugada syndrome 8. Last evaluated: 2026-02-03. Review status: criteria provided, single submitter. Criteria: Invitae Variant Classification Sherloc (09022015). Collection method: clinical testing. Allele origin: germline.
Comment: This sequence change falls in intron 7 of the HCN4 gene. It does not directly change the encoded amino acid sequence of the HCN4 protein. It affects a nucleotide within the consensus splice site. This variant is present in population databases (rs547362030, gnomAD 0.02%). This variant has not been reported in the literature in individuals affected with HCN4-related conditions. ClinVar contains an entry for this variant (Variation ID: 1430042). Variants that disrupt the consensus splice site are a relatively common cause of aberrant splicing (PMID: 17576681, 9536098). Algorithms developed to predict the effect of sequence changes on RNA splicing suggest that this variant may disrupt the consensus splice site. In summary, the available evidence is currently insufficient to determine the role of this variant in disease. Therefore, it has been classified as a Variant of Uncertain Significance.

GeneDx
Classification: Uncertain significance. Last evaluated: 2025-08-19. Review status: criteria provided, single submitter. Criteria: GeneDx Variant Classification Process June 2021. Collection method: clinical testing. Allele origin: germline.
Comment: Has not been previously published as pathogenic or benign to our knowledge; In silico analysis suggests that this variant does not alter splicing

Ambry Genetics
Classification: Uncertain significance for Cardiovascular phenotype. Last evaluated: 2022-12-07. Review status: criteria provided, single submitter. Criteria: Ambry Variant Classification Scheme 2023. Collection method: clinical testing. Allele origin: germline.
Comment: The c.2143+5G>A intronic variant results from a G to A substitution 5 nucleotides after coding exon 7 in the HCN4 gene. This nucleotide position is highly conserved in available vertebrate species. In silico splice site analysis for this alteration is inconclusive. Since supporting evidence is limited at this time, the clinical significance of this alteration remains unclear.

Literature cited by the submitters: PubMed 17576681 (cited by Labcorp Genetics (formerly Invitae), Labcorp); PubMed 9536098 (cited by Labcorp Genetics (formerly Invitae), Labcorp).